The following is an entry in ClinVar:

NM_006531.5(IFT88):c.1250del (p.Leu417fs)

Gene: IFT88 (intraflagellar transport 88; plus strand). Cytogenetic location: 13q12.11.
Variant type: Deletion.
Coding change: c.1250del on transcript NM_006531.5 (MANE Select); coding-DNA position 1250, one base deleted (T; older notation c.1250delT).
Protein change: p.Leu417fs; shifts the reading frame from leucine 417.
Molecular consequence: frameshift variant. On other transcripts: non-coding transcript variant (5).
Genome position (GRCh38, 1-based): chr13:20,625,800, T deleted. VCF-style (leftmost placement, unchanged base first): chr13-20625799-CT-C. GRCh37 (hg19) VCF-style: chr13-21199938-CT-C.
Other names: c.1193del, p.Leu398fs (NM_001318491.2, NM_001353575.2); c.1277del, p.Leu426fs (NM_001318493.2, NM_175605.5, NM_001353565.2 and 2 more transcripts); c.1175del, p.Leu392fs (NM_001353576.2, NM_001353577.2, NM_001353569.2 and 1 more transcripts); c.1148del, p.Leu383fs (NM_001353578.2, NM_001353571.2); c.617del, p.Leu206fs (NM_001353579.2); c.1250del, p.Leu417fs (NM_001353568.2, NM_001353572.2); c.1106del, p.Leu369fs (NM_001353573.2); c.1091del, p.Leu364fs (NM_001353574.2); short protein forms L369fs, L383fs, L426fs, L364fs, L392fs, L206fs, L398fs, L417fs.
Identifiers: ClinVar variation 1502334 (VCV001502334.6), dbSNP rs1346374170, ClinGen allele CA696413080.

ClinVar aggregate classification (germline): Uncertain significance (1 of 4 stars; one submission).

Submission:

Labcorp Genetics (formerly Invitae), Labcorp
Classification: Uncertain significance. Last evaluated: 2024-02-24. Review status: criteria provided, single submitter. Criteria: Invitae Variant Classification Sherloc (09022015). Collection method: clinical testing. Allele origin: germline.
Comment: This sequence change creates a premature translational stop signal (p.Leu426Argfs*3) in the IFT88 gene. It is expected to result in an absent or disrupted protein product. However, the current clinical and genetic evidence is not sufficient to establish whether loss-of-function variants in IFT88 cause disease. This variant is not present in population databases (gnomAD no frequency). This variant has not been reported in the literature in individuals affected with IFT88-related conditions. ClinVar contains an entry for this variant (Variation ID: 1502334). In summary, the available evidence is currently insufficient to determine the role of this variant in disease. Therefore, it has been classified as a Variant of Uncertain Significance.